The following is an entry in ClinVar:

ClinVar aggregate classification (germline): Uncertain significance. Review status: criteria provided, multiple submitters, no conflicts (2 of 4 stars). 3 submissions from 3 submitters: Uncertain significance (3). Last evaluated 2022-02-15.

Conditions:
Charcot-Marie-Tooth disease dominant intermediate E. Also called: CHARCOT-MARIE-TOOTH NEUROPATHY WITH FOCAL SEGMENTAL GLOMERULONEPHRITIS. Identifiers: Orphanet 93114, MedGen C4302667, MONDO:0013758, OMIM 614455.
Focal segmental glomerulosclerosis 5 (FSGS5). Identifiers: Orphanet 656, MedGen C2750475, MONDO:0013191, OMIM 613237.
Focal segmental glomerulosclerosis (FSGS). Also called: Glomerulosclerosis, focal; Focal sclerosis with hyalinosis. Identifiers: MedGen C0017668, MONDO:0100313, HP:0000097. Disease mechanism: loss of function.

Allele frequency attached by ClinVar (database versions not stated): gnomAD exomes below 0.00001 and 0.00001.

Submissions (3):

Fulgent Genetics
Classification: Uncertain significance for Focal segmental glomerulosclerosis 5; Charcot-Marie-Tooth disease dominant intermediate E. Last evaluated: 2022-02-15. Review status: criteria provided, single submitter. Criteria: ACMG Guidelines, 2015. Collection method: clinical testing. Allele origin: unknown.

Labcorp Genetics (formerly Invitae), Labcorp
Classification: Uncertain significance for Charcot-Marie-Tooth disease dominant intermediate E; Focal segmental glomerulosclerosis 5. Last evaluated: 2021-12-18. Review status: criteria provided, single submitter. Criteria: Invitae Variant Classification Sherloc (09022015). Collection method: clinical testing. Allele origin: germline.
Comment: This sequence change replaces glutamic acid, which is acidic and polar, with glutamine, which is neutral and polar, at codon 955 of the INF2 protein (p.Glu955Gln). In summary, the available evidence is currently insufficient to determine the role of this variant in disease. Therefore, it has been classified as a Variant of Uncertain Significance. Algorithms developed to predict the effect of missense changes on protein structure and function are either unavailable or do not agree on the potential impact of this missense change (SIFT: "Deleterious"; PolyPhen-2: "Not Available"; Align-GVGD: "Class C0"). ClinVar contains an entry for this variant (Variation ID: 1210224). This variant has not been reported in the literature in individuals affected with INF2-related conditions. This variant is present in population databases (no rsID available, gnomAD 0.008%).

UNC Molecular Genetics  Laboratory, University of North Carolina at Chapel Hill
Classification: Uncertain significance for Focal segmental glomerulosclerosis. Last evaluated: 2021-01-08. Review status: criteria provided, single submitter. Criteria: ACMG Guidelines, 2015. Collection method: clinical testing. Allele origin: germline. Affected: yes. Observed: 1 heterozygote.

NM_022489.4(INF2):c.2863G>C (p.Glu955Gln)

Gene: INF2 (inverted formin 2; plus strand). Cytogenetic location: 14q32.33.
Variant type: single nucleotide variant.
Coding change: c.2863G>C on transcript NM_022489.4 (MANE Select); coding-DNA position 2863, G replaced by C.
Protein change: p.Glu955Gln; replaces glutamic acid 955 with glutamine.
Molecular consequence: missense variant.
Genome position (GRCh38, 1-based): chr14:104,713,294, G>C. VCF-style: chr14-104713294-G-C. GRCh37 (hg19) VCF-style: chr14-105179631-G-C.
Other names: c.2863G>C, p.Glu955Gln (NM_001031714.4); short protein forms E955Q.
Identifiers: ClinVar variation 1210224 (VCV001210224.8), dbSNP rs1440140886, ClinGen allele CA391222799.